The following is an entry in ClinVar:

ClinVar aggregate classification (germline): Conflicting classifications of pathogenicity. Review status: criteria provided, conflicting classifications (1 of 4 stars). 3 submissions from 3 submitters: Likely pathogenic (1); Uncertain significance (2). Last evaluated 2025-01-24.

Conditions:
Hereditary diffuse gastric adenocarcinoma (HDGC). Also called: DIFFUSE GASTRIC AND LOBULAR BREAST CANCER SYNDROME. Identifiers: Orphanet 26106, MedGen C1708349, MONDO:0007648, OMIM 137215.
Hereditary cancer-predisposing syndrome. Also called: Neoplastic Syndromes, Hereditary; Hereditary neoplastic syndrome; Hereditary Cancer Syndrome; Tumor predisposition. Identifiers: Orphanet 140162, MedGen C0027672, MeSH D009386, MONDO:0015356.

Submissions (3):

Labcorp Genetics (formerly Invitae), Labcorp
Classification: Uncertain significance for Hereditary diffuse gastric adenocarcinoma. Last evaluated: 2025-01-24. Review status: criteria provided, single submitter. Criteria: Invitae Variant Classification Sherloc (09022015). Collection method: clinical testing. Allele origin: germline.
Comment: This sequence change affects an acceptor splice site in intron 2 of the CDH1 gene. RNA analysis indicates that disruption of this splice site induces altered splicing and likely results in the loss of 4 amino acid residue(s), but is expected to preserve the integrity of the reading-frame. This variant is not present in population databases (gnomAD no frequency). This variant has not been reported in the literature in individuals affected with CDH1-related conditions. ClinVar contains an entry for this variant (Variation ID: 658765). Studies have shown that disruption of this splice site results in the activation of a cryptic splice site in exon 3 (internal data). In summary, the available evidence is currently insufficient to determine the role of this variant in disease. Therefore, it has been classified as a Variant of Uncertain Significance.

Ambry Genetics
Classification: Uncertain significance for Hereditary cancer-predisposing syndrome. Last evaluated: 2024-10-08. Review status: criteria provided, single submitter. Criteria: Ambry Variant Classification Scheme 2023. Collection method: clinical testing. Allele origin: germline.
Comment: The c.164-1G>A intronic variant results from a G to A substitution one nucleotide upstream from coding exon 3 of the CDH1 gene. Alterations that disrupt the canonical splice site are expected to result in aberrant splicing. In silico splice site analysis predicts that this alteration will weaken the native splice acceptor site and will result in the creation or strengthening of a novel splice acceptor site. The resulting transcript is predicted to be in-frame and is not expected to trigger nonsense-mediated mRNAdecay; however, direct evidence is unavailable. The exact functional effect of the altered amino acid sequence is unknown. This nucleotide position is highly conserved in available vertebrate species. Based on the available evidence, the clinical significance of this variant remains unclear.

Myriad Genetics, Inc.
Classification: Likely pathogenic for Hereditary diffuse gastric adenocarcinoma. Last evaluated: 2023-06-08. Review status: criteria provided, single submitter. Criteria: Myriad Autosomal Dominant, Autosomal Recessive and X-Linked Classification Criteria (2023). Collection method: clinical testing. Allele origin: unknown.
Comment: This variant is considered likely pathogenic. This variant occurs within a consensus splice junction and is predicted to result in abnormal mRNA splicing of either an out-of-frame exon or an in-frame exon necessary for protein stability and/or normal function.

NM_004360.5(CDH1):c.164-1G>A

Gene: CDH1 (cadherin 1; plus strand). Cytogenetic location: 16q22.1.
Variant type: single nucleotide variant.
Coding change: c.164-1G>A on transcript NM_004360.5 (MANE Select); the canonical splice acceptor site of the intron before coding-DNA position 164, G replaced by A.
Molecular consequence: splice acceptor variant.
Genome position (GRCh38, 1-based): chr16:68,801,669, G>A. VCF-style: chr16-68801669-G-A. GRCh37 (hg19) VCF-style: chr16-68835572-G-A.
Other names: c.-1452-1G>A (NM_001317185.2); c.-1656-1G>A (NM_001317186.2); c.164-1G>A (NM_001317184.2).
Identifiers: ClinVar variation 658765 (VCV000658765.10), dbSNP rs1597884512, ClinGen allele CA396457073.
Genomic context (GRCh38, chr16:68,801,669, plus strand): 5'-AAGGAATGCTCTTGTCTTTAATCTGTCCAATTTCCTAATCTCTGTGATTTCTGCCCTGCA[G>A]TGAATTTTGAAGATTGCACCGGTCGACAAAGGACAGCCTATTTTTCCCTCGACACCCGAT-3'